The following is an entry in ClinVar:

NM_000038.6(APC):c.5620C>A (p.Leu1874Ile)

Gene: APC (APC regulator of Wnt signaling pathway; plus strand). Cytogenetic location: 5q22.2.
Variant type: single nucleotide variant.
Coding change: c.5620C>A on transcript NM_000038.6 (MANE Select); coding-DNA position 5620, C replaced by A.
Protein change: p.Leu1874Ile; replaces leucine 1874 with isoleucine.
Molecular consequence: missense variant.
Genome position (GRCh38, 1-based): chr5:112,841,214, C>A. VCF-style: chr5-112841214-C-A. GRCh37 (hg19) VCF-style: chr5-112176911-C-A.
Other names: c.5620C>A, p.Leu1874Ile (NM_001127510.3, NM_001354895.2); c.5566C>A, p.Leu1856Ile (NM_001127511.3); c.5674C>A, p.Leu1892Ile (NM_001354896.2); c.5650C>A, p.Leu1884Ile (NM_001354897.2); c.5545C>A, p.Leu1849Ile (NM_001354898.2); c.5536C>A, p.Leu1846Ile (NM_001354899.2); c.5497C>A, p.Leu1833Ile (NM_001354900.2); c.5443C>A, p.Leu1815Ile (NM_001354901.2); and 5 more; short protein forms L1714I, L1773I, L1846I, L1849I, L1884I, L1783I, L1833I, L1856I.
Identifiers: ClinVar variation 963007 (VCV000963007.11), dbSNP rs1765994570, ClinGen allele CA16033632.

ClinVar aggregate classification (germline): Uncertain significance (1 of 4 stars; one submission).

Conditions:
Familial adenomatous polyposis 1 (FAP1). Also called: FAMILIAL ADENOMATOUS POLYPOSIS 1, ATTENUATED; POLYPOSIS, ADENOMATOUS INTESTINAL. Identifiers: MedGen C2713442, MONDO:0021056, OMIM 175100. Disease mechanism: loss of function.

Submission:

Labcorp Genetics (formerly Invitae), Labcorp
Classification: Uncertain significance for Familial adenomatous polyposis 1. Last evaluated: 2019-10-30. Review status: criteria provided, single submitter. Criteria: Invitae Variant Classification Sherloc (09022015). Collection method: clinical testing. Allele origin: germline.
Comment: In summary, the available evidence is currently insufficient to determine the role of this variant in disease. Therefore, it has been classified as a Variant of Uncertain Significance. Algorithms developed to predict the effect of missense changes on protein structure and function are either unavailable or do not agree on the potential impact of this missense change (SIFT: "Deleterious"; PolyPhen-2: "Possibly Damaging"; Align-GVGD: "Class C0"). This variant has not been reported in the literature in individuals with APC-related conditions. This variant is not present in population databases (ExAC no frequency). This sequence change replaces leucine with isoleucine at codon 1874 of the APC protein (p.Leu1874Ile). The leucine residue is highly conserved and there is a small physicochemical difference between leucine and isoleucine.